The following is an entry in ClinVar:

ClinVar aggregate classification (germline): Uncertain significance (1 of 4 stars; one submission).

Conditions:
Hereditary cancer-predisposing syndrome. Also called: Hereditary neoplastic syndrome; Neoplastic Syndromes, Hereditary; Tumor predisposition; Hereditary Cancer Syndrome. Identifiers: Orphanet 140162, MedGen C0027672, MeSH D009386, MONDO:0015356.

Submission:

Ambry Genetics
Classification: Uncertain significance for Hereditary cancer-predisposing syndrome. Last evaluated: 2025-08-12. Review status: criteria provided, single submitter. Criteria: Ambry Variant Classification Scheme 2023. Collection method: clinical testing. Allele origin: germline.
Comment: The p.W1113C variant (also known as c.3339G>T), located in coding exon 27 of the POLE gene, results from a G to T substitution at nucleotide position 3339. The tryptophan at codon 1113 is replaced by cysteine, an amino acid with highly dissimilar properties. This amino acid position is conserved. In addition, this alteration is predicted to be deleterious by in silico analysis. Based on the available evidence, the clinical significance of this variant remains unclear.

NM_006231.4(POLE):c.3339G>T (p.Trp1113Cys)

Gene: POLE (DNA polymerase epsilon, catalytic subunit; minus strand). Cytogenetic location: 12q24.33.
Variant type: single nucleotide variant.
Coding change: c.3339G>T on transcript NM_006231.4 (MANE Select); coding-DNA position 3339, G replaced by T.
Protein change: p.Trp1113Cys; replaces tryptophan 1113 with cysteine.
Molecular consequence: missense variant.
Genome position (GRCh38, 1-based): chr12:132,657,907, C>A on the plus strand (G>T on the coding strand, the complement: POLE is on the minus strand). VCF-style: chr12-132657907-C-A. GRCh37 (hg19) VCF-style: chr12-133234493-C-A.
Other names: short protein forms W1113C.
Identifiers: ClinVar variation 4141202 (VCV004141202.1).